The following is an entry in ClinVar:

ClinVar aggregate classification (germline): Uncertain significance (1 of 4 stars; one submission).

Conditions:
RYR1-related disorder. Also called: RYR1-related condition; RYR1-related disorders. Identifiers: MedGen CN239331.

Submission:

Labcorp Genetics (formerly Invitae), Labcorp
Classification: Uncertain significance for RYR1-related disorder. Last evaluated: 2023-11-19. Review status: criteria provided, single submitter. Criteria: Invitae Variant Classification Sherloc (09022015). Collection method: clinical testing. Allele origin: germline.
Comment: This sequence change replaces glutamic acid, which is acidic and polar, with glycine, which is neutral and non-polar, at codon 4485 of the RYR1 protein (p.Glu4485Gly). This variant is not present in population databases (gnomAD no frequency). This variant has not been reported in the literature in individuals affected with RYR1-related conditions. Advanced modeling of protein sequence and biophysical properties (such as structural, functional, and spatial information, amino acid conservation, physicochemical variation, residue mobility, and thermodynamic stability) has been performed at Invitae for this missense variant, however the output from this modeling did not meet the statistical confidence thresholds required to predict the impact of this variant on RYR1 protein function. In summary, the available evidence is currently insufficient to determine the role of this variant in disease. Therefore, it has been classified as a Variant of Uncertain Significance.

NM_000540.3(RYR1):c.13454A>G (p.Glu4485Gly)

Gene: RYR1 (ryanodine receptor 1; plus strand). Cytogenetic location: 19q13.2.
Variant type: single nucleotide variant.
Coding change: c.13454A>G on transcript NM_000540.3 (MANE Select); coding-DNA position 13454, A replaced by G.
Protein change: p.Glu4485Gly; replaces glutamic acid 4485 with glycine.
Molecular consequence: missense variant.
Genome position (GRCh38, 1-based): chr19:38,566,927, A>G. VCF-style: chr19-38566927-A-G. GRCh37 (hg19) VCF-style: chr19-39057567-A-G.
Other names: c.13439A>G, p.Glu4480Gly (NM_001042723.2); short protein forms E4485G, E4480G.
Identifiers: ClinVar variation 2695248 (VCV002695248.3), dbSNP rs2514689507, ClinGen allele CA405676277.